The following is an entry in ClinVar:

ClinVar aggregate classification (germline): Uncertain significance. Review status: criteria provided, single submitter (1 of 4 stars). 2 submissions from 2 submitters: Uncertain significance (1). 1 of the submissions does not count toward it. Last evaluated 2025-12-30.

Conditions:
Kostmann syndrome (SCN3). Also called: KOSTMANN DISEASE; Autosomal recessive severe congenital neutropenia type 3. Identifiers: Orphanet 99749, MedGen C5235141, MONDO:0012548, OMIM 610738.
Inborn genetic diseases. Identifiers: MedGen C0950123, MeSH D030342.

gnomAD v4.1: 2 of 1,606,022 alleles (0.00012%); highest among the groups gnomAD compares: African/African-American, 0.0013%; no homozygotes.

Submissions (2):

Ambry Genetics
Classification: Uncertain significance for Inborn genetic diseases. Last evaluated: 2025-12-30. Review status: criteria provided, single submitter. Criteria: Ambry Variant Classification Scheme 2023. Collection method: clinical testing. Allele origin: germline.
Comment: The p.S189A variant (also known as c.565T>G), located in coding exon 5 of the HAX1 gene, results from a T to G substitution at nucleotide position 565. The serine at codon 189 is replaced by alanine, an amino acid with similar properties. This amino acid position is conserved. In addition, this alteration is predicted to be tolerated by in silico analysis. Based on the available evidence, the clinical significance of this variant remains unclear.

Natera, Inc.
Classification: Uncertain significance for Autosomal recessive severe congenital neutropenia type 3. Last evaluated: 2025-04-17. Review status: no assertion criteria provided. Collection method: clinical testing. Allele origin: germline. Not counted in ClinVar's aggregate classification.

NM_006118.4(HAX1):c.565T>G (p.Ser189Ala)

Gene: HAX1 (HCLS1 associated protein X-1; plus strand). Cytogenetic location: 1q21.3.
Variant type: single nucleotide variant.
Coding change: c.565T>G on transcript NM_006118.4 (MANE Select); coding-DNA position 565, T replaced by G.
Protein change: p.Ser189Ala; replaces serine 189 with alanine.
Molecular consequence: missense variant.
Genome position (GRCh38, 1-based): chr1:154,275,162, T>G. VCF-style: chr1-154275162-T-G. GRCh37 (hg19) VCF-style: chr1-154247638-T-G.
Other names: c.421T>G, p.Ser141Ala (NM_001018837.2); short protein forms S141A, S189A.
Identifiers: ClinVar variation 4069026 (VCV004069026.2).